The following is an entry in ClinVar:

ClinVar aggregate classification (germline): Uncertain significance (1 of 4 stars; one submission).

Submission:

Labcorp Genetics (formerly Invitae), Labcorp
Classification: Uncertain significance. Last evaluated: 2025-10-05. Review status: criteria provided, single submitter. Criteria: Invitae Variant Classification Sherloc (09022015). Collection method: clinical testing. Allele origin: germline.
Comment: This sequence change replaces lysine, which is basic and polar, with asparagine, which is neutral and polar, at codon 305 of the IFT57 protein (p.Lys305Asn). This variant is not present in population databases (gnomAD no frequency). This variant has not been reported in the literature in individuals affected with IFT57-related conditions. An algorithm developed to predict the effect of missense changes on protein structure and function (PolyPhen-2) suggests that this variant is likely to be disruptive. In summary, the available evidence is currently insufficient to determine the role of this variant in disease. Therefore, it has been classified as a Variant of Uncertain Significance.

NM_018010.4(IFT57):c.915G>T (p.Lys305Asn)

Gene: IFT57 (intraflagellar transport 57; minus strand). Cytogenetic location: 3q13.12.
Variant type: single nucleotide variant.
Coding change: c.915G>T on transcript NM_018010.4 (MANE Select); coding-DNA position 915, G replaced by T.
Protein change: p.Lys305Asn; replaces lysine 305 with asparagine.
Molecular consequence: missense variant.
Genome position (GRCh38, 1-based): chr3:108,166,920, C>A on the plus strand (G>T on the coding strand, the complement: IFT57 is on the minus strand). VCF-style: chr3-108166920-C-A. GRCh37 (hg19) VCF-style: chr3-107885767-C-A.
Other names: short protein forms K305N.
Identifiers: ClinVar variation 4728481 (VCV004728481.1).